The following is an entry in ClinVar:

NM_020937.4(FANCM):c.6099A>G (p.Gln2033=)

Gene: FANCM (FA complementation group M; plus strand). Cytogenetic location: 14q21.2.
Variant type: single nucleotide variant.
Coding change: c.6099A>G on transcript NM_020937.4 (MANE Select); coding-DNA position 6099, A replaced by G.
Protein change: p.Gln2033=; no amino-acid change (glutamine 2033 retained).
Molecular consequence: synonymous variant.
Genome position (GRCh38, 1-based): chr14:45,199,960, A>G. VCF-style: chr14-45199960-A-G. GRCh37 (hg19) VCF-style: chr14-45669163-A-G.
Other names: c.6099A>G (NM_020937.3, NM_020937.2); c.6021A>G, p.Gln2007= (NM_001308133.2).
Identifiers: ClinVar variation 1398472 (VCV001398472.11), dbSNP rs757734261, ClinGen allele CA7170131.

ClinVar aggregate classification (germline): Likely benign. Review status: criteria provided, multiple submitters, no conflicts (2 of 4 stars). 3 submissions from 3 submitters: Likely benign (2). 1 of the submissions does not count toward it. Last evaluated 2025-10-23.

Conditions:
Fanconi anemia (FA). Also called: Fanconi's anemia. Identifiers: Orphanet 84, MedGen C0015625, MeSH D005199, MONDO:0019391.
FANCM-related disorder. Also called: FANCM-related condition.
Inborn genetic diseases. Identifiers: MedGen C0950123, MeSH D030342.

Allele frequency attached by ClinVar (database versions not stated): gnomAD exomes 0.00001 and 0.00002; ExAC 0.00002; TOPMed 0.00002.
gnomAD v4.1: 4 of 1,605,048 alleles (0.00025%); highest among the groups gnomAD compares: East Asian, 0.0045%; no homozygotes.

Submissions (3):

Ambry Genetics
Classification: Likely benign for Inborn genetic diseases. Last evaluated: 2025-10-23. Review status: criteria provided, single submitter. Criteria: Ambry Variant Classification Scheme 2023. Collection method: clinical testing. Allele origin: germline.

Labcorp Genetics (formerly Invitae), Labcorp
Classification: Likely benign for Fanconi anemia. Last evaluated: 2024-06-25. Review status: criteria provided, single submitter. Criteria: Invitae Variant Classification Sherloc (09022015). Collection method: clinical testing. Allele origin: germline.

PreventionGenetics, part of Exact Sciences
Classification: Likely benign for FANCM-related condition. Last evaluated: 2023-10-26. Review status: no assertion criteria provided. Collection method: clinical testing. Allele origin: germline. Not counted in ClinVar's aggregate classification.
Comment: This variant is classified as likely benign based on ACMG/AMP sequence variant interpretation guidelines (Richards et al. 2015 PMID: 25741868, with internal and published modifications).